The following is an entry in ClinVar:

ClinVar aggregate classification (germline): Uncertain significance (1 of 4 stars; one submission).

Submission:

Labcorp Genetics (formerly Invitae), Labcorp
Classification: Uncertain significance. Last evaluated: 2022-03-13. Review status: criteria provided, single submitter. Criteria: Invitae Variant Classification Sherloc (09022015). Collection method: clinical testing. Allele origin: germline.
Comment: In summary, the available evidence is currently insufficient to determine the role of this variant in disease. Therefore, it has been classified as a Variant of Uncertain Significance. Advanced modeling of protein sequence and biophysical properties (such as structural, functional, and spatial information, amino acid conservation, physicochemical variation, residue mobility, and thermodynamic stability) performed at Invitae indicates that this missense variant is not expected to disrupt ABCC6 protein function. This variant has not been reported in the literature in individuals affected with ABCC6-related conditions. This variant is not present in population databases (gnomAD no frequency). This sequence change replaces serine, which is neutral and polar, with alanine, which is neutral and non-polar, at codon 619 of the ABCC6 protein (p.Ser619Ala).

NM_001171.6(ABCC6):c.1855T>G (p.Ser619Ala)

Gene: ABCC6 (ATP binding cassette subfamily C member 6; minus strand). Cytogenetic location: 16p13.11.
Variant type: single nucleotide variant.
Coding change: c.1855T>G on transcript NM_001171.6 (MANE Select); coding-DNA position 1855, T replaced by G.
Protein change: p.Ser619Ala; replaces serine 619 with alanine.
Molecular consequence: missense variant. On other transcripts: non-coding transcript variant (1).
Genome position (GRCh38, 1-based): chr16:16,187,136, A>C on the plus strand (T>G on the coding strand, the complement: ABCC6 is on the minus strand). VCF-style: chr16-16187136-A-C. GRCh37 (hg19) VCF-style: chr16-16280993-A-C.
Other names: c.1513T>G, p.Ser505Ala (NM_001351800.1); short protein forms S619A, S505A.
Identifiers: ClinVar variation 2111484 (VCV002111484.4), dbSNP rs2511011058, ClinGen allele CA394889065.
Genomic context (GRCh38, chr16:16,187,136, plus strand): 5'-CACATCCCCCATCCCTCCCACACCCCTCCTGCCAGACTCAGCACTCACCGCTTCCAGAGG[A>C]ACTTGAGTCTACGACACCAGGGTCAACTTCTTCCAGGCAGAGGAAGGTGACCAGACGGTC-3'
Protein context (NP_001162.5, residues 609-629): EVDPGVVDSS[Ser619Ala]SGSAAGKDCI